The following is an entry in ClinVar:

ClinVar aggregate classification (germline): Uncertain significance (1 of 4 stars; one submission).

Allele frequency attached by ClinVar (database versions not stated): TOPMed below 0.00001.

Submission:

Ambry Genetics
Classification: Uncertain significance. Last evaluated: 2021-11-22. Review status: criteria provided, single submitter. Criteria: Ambry Variant Classification Scheme 2023. Collection method: clinical testing. Allele origin: germline.
Comment: The p.L1242S variant (also known as c.3725T>C), located in coding exon 31 of the PRKDC gene, results from a T to C substitution at nucleotide position 3725. The leucine at codon 1242 is replaced by serine, an amino acid with dissimilar properties. This amino acid position is conserved. In addition, this alteration is predicted to be tolerated by in silico analysis. Since supporting evidence is limited at this time, the clinical significance of this alteration remains unclear.

NM_006904.7(PRKDC):c.3725T>C (p.Leu1242Ser)

Gene: PRKDC (protein kinase, DNA-activated, catalytic subunit; minus strand). Cytogenetic location: 8q11.21.
Variant type: single nucleotide variant.
Coding change: c.3725T>C on transcript NM_006904.7 (MANE Select); coding-DNA position 3725, T replaced by C.
Protein change: p.Leu1242Ser; replaces leucine 1242 with serine.
Molecular consequence: missense variant.
Genome position (GRCh38, 1-based): chr8:47,893,261, A>G on the plus strand (T>C on the coding strand, the complement: PRKDC is on the minus strand). VCF-style: chr8-47893261-A-G. GRCh37 (hg19) VCF-style: chr8-48805821-A-G.
Other names: c.3725T>C, p.Leu1242Ser (NM_001081640.2); short protein forms L1242S.
Identifiers: ClinVar variation 1734328 (VCV001734328.2), dbSNP rs2089503504, ClinGen allele CA371150528.